The following is an entry in ClinVar:

ClinVar aggregate classification (germline): Likely benign (1 of 4 stars; one submission).

Allele frequency attached by ClinVar (database versions not stated): gnomAD 0.00015; TOPMed 0.00020; ExAC 0.00013; gnomAD exomes 0.00032.
gnomAD v4.1: 489 of 1,608,780 alleles (0.03%); highest among the groups gnomAD compares: Non-Finnish European, 0.039%; no homozygotes.

Submission:

CeGaT Center for Human Genetics Tuebingen
Classification: Likely benign. Last evaluated: 2023-04-01. Review status: criteria provided, single submitter. Criteria: CeGaT Center For Human Genetics Tuebingen Variant Classification Criteria Version 2. Collection method: clinical testing. Allele origin: germline. Affected: yes. Observed: 1 variant allele.
Comment: ANKRD36C: BP4, BP7

NM_001393982.1(ANKRD36C):c.6042A>G (p.Gln2014=)

Gene: ANKRD36C (ankyrin repeat domain 36C; minus strand). Cytogenetic location: 2q11.1.
Variant type: single nucleotide variant.
Coding change: c.6042A>G on transcript NM_001393982.1 (MANE Select); coding-DNA position 6042, A replaced by G.
Protein change: p.Gln2014=; no amino-acid change (glutamine 2014 retained).
Molecular consequence: synonymous variant.
Genome position (GRCh38, 1-based): chr2:95,853,838, T>C on the plus strand (A>G on the coding strand, the complement: ANKRD36C is on the minus strand). VCF-style: chr2-95853838-T-C. GRCh37 (hg19) VCF-style: chr2-96519586-T-C.
Other names: c.6117A>G, p.Gln2039= (NM_001310154.3).
Identifiers: ClinVar variation 2651125 (VCV002651125.24), dbSNP rs750287259, ClinGen allele CA1773254.